The following is an entry in ClinVar:

ClinVar aggregate classification (germline): Uncertain significance (1 of 4 stars; one submission).

Allele frequency attached by ClinVar (database versions not stated): ESP Exome Variant Server 0.00008.
gnomAD v4.1: 5 of 1,607,042 alleles (0.00031%); highest among the groups gnomAD compares: Non-Finnish European, 0.00042%; no homozygotes.

Submission:

Labcorp Genetics (formerly Invitae), Labcorp
Classification: Uncertain significance. Last evaluated: 2021-05-09. Review status: criteria provided, single submitter. Criteria: Invitae Variant Classification Sherloc (09022015). Collection method: clinical testing. Allele origin: germline.
Comment: This sequence change replaces glycine with alanine at codon 256 of the COL18A1 protein (p.Gly256Ala). This variant is not present in population databases (ExAC no frequency). This variant has not been reported in the literature in individuals with COL18A1-related conditions. Experimental studies and prediction algorithms are not available or were not evaluated, and the functional significance of this variant is currently unknown. In summary, the available evidence is currently insufficient to determine the role of this variant in disease. Therefore, it has been classified as a Variant of Uncertain Significance.

NM_001379500.1(COL18A1):c.767G>C (p.Gly256Ala)

Gene: COL18A1 (collagen type XVIII alpha 1 chain; plus strand). Cytogenetic location: 21q22.3.
Variant type: single nucleotide variant.
Coding change: c.767G>C on transcript NM_001379500.1 (MANE Select); coding-DNA position 767, G replaced by C.
Protein change: p.Gly256Ala; replaces glycine 256 with alanine.
Molecular consequence: missense variant.
Genome position (GRCh38, 1-based): chr21:45,475,504, G>C. VCF-style: chr21-45475504-G-C. GRCh37 (hg19) VCF-style: chr21-46895418-G-C.
Other names: c.1307G>C, p.Gly436Ala (NM_030582.4); c.2012G>C, p.Gly671Ala (NM_130444.3); short protein forms G671A, G256A, G436A.
Identifiers: ClinVar variation 1494917 (VCV001494917.3), dbSNP rs368233273, ClinGen allele CA321912974.